The following is an entry in ClinVar:

NM_006371.5(CRTAP):c.724G>A (p.Glu242Lys)

Gene: CRTAP (cartilage associated protein; plus strand). Cytogenetic location: 3p22.3.
Variant type: single nucleotide variant.
Coding change: c.724G>A on transcript NM_006371.5 (MANE Select); coding-DNA position 724, G replaced by A.
Protein change: p.Glu242Lys; replaces glutamic acid 242 with lysine.
Molecular consequence: missense variant.
Genome position (GRCh38, 1-based): chr3:33,124,510, G>A. VCF-style: chr3-33124510-G-A. GRCh37 (hg19) VCF-style: chr3-33166002-G-A.
Other names: c.724G>A, p.Glu242Lys (NM_001393363.1, NM_001393364.1); c.574G>A, p.Glu192Lys (NM_001393365.1); short protein forms E242K, E192K.
Identifiers: ClinVar variation 666050 (VCV000666050.4), dbSNP rs147836108, ClinGen allele CA2300366.

ClinVar aggregate classification (germline): Uncertain significance (1 of 4 stars; one submission).

Conditions:
Osteogenesis imperfecta type 7 (OI7). Also called: OI type 7; OI type VII; OSTEOGENESIS IMPERFECTA, TYPE IIB; Osteogenesis imperfecta type 2B; OI type 2B; Osteogenesis imperfecta, perinatal lethal autosomal recessive. Identifiers: MedGen C1853162, MONDO:0012536, OMIM 610682.

Allele frequency attached by ClinVar (database versions not stated): ExAC 0.00001; gnomAD exomes 0.00002; TOPMed 0.00005; gnomAD 0.00007; ESP Exome Variant Server 0.00008.
gnomAD v4.1: 34 of 1,614,084 alleles (0.0021%); highest among the groups gnomAD compares: Middle Eastern, 0.033%; no homozygotes.

Submission:

Labcorp Genetics (formerly Invitae), Labcorp
Classification: Uncertain significance for Osteogenesis imperfecta type 7. Last evaluated: 2024-11-19. Review status: criteria provided, single submitter. Criteria: Invitae Variant Classification Sherloc (09022015). Collection method: clinical testing. Allele origin: germline.
Comment: This sequence change replaces glutamic acid, which is acidic and polar, with lysine, which is basic and polar, at codon 242 of the CRTAP protein (p.Glu242Lys). This variant is present in population databases (rs147836108, gnomAD 0.02%). This variant has not been reported in the literature in individuals affected with CRTAP-related conditions. ClinVar contains an entry for this variant (Variation ID: 666050). Invitae Evidence Modeling of protein sequence and biophysical properties (such as structural, functional, and spatial information, amino acid conservation, physicochemical variation, residue mobility, and thermodynamic stability) indicates that this missense variant is not expected to disrupt CRTAP protein function with a negative predictive value of 80%. In summary, the available evidence is currently insufficient to determine the role of this variant in disease. Therefore, it has been classified as a Variant of Uncertain Significance.